The following is an entry in ClinVar:

NM_006767.4(LZTR1):c.791+1G>C

Gene: LZTR1 (leucine zipper like post translational regulator 1; plus strand). Cytogenetic location: 22q11.21.
Variant type: single nucleotide variant.
Coding change: c.791+1G>C on transcript NM_006767.4 (MANE Select); the canonical splice donor site of the intron after coding-DNA position 791, G replaced by C.
Molecular consequence: splice donor variant.
Genome position (GRCh38, 1-based): chr22:20,990,526, G>C. VCF-style: chr22-20990526-G-C. GRCh37 (hg19) VCF-style: chr22-21344815-G-C.
Other names: c.791+1G>C (NM_006767.3).
Identifiers: ClinVar variation 1484880 (VCV001484880.12), dbSNP rs148031742, ClinGen allele CA322326205.

ClinVar aggregate classification (germline): Pathogenic/Likely pathogenic. Review status: criteria provided, multiple submitters, no conflicts (2 of 4 stars). 4 submissions from 4 submitters: Pathogenic (3); Likely pathogenic (1). Last evaluated 2026-09-08.

Conditions:
LZTR1-related schwannomatosis. Also called: Schwannomatosis 2; Schwannomatosis-2, susceptibility to. Identifiers: Orphanet 93921, MedGen C3810283, MONDO:0014299, OMIM 615670.
Cardiovascular phenotype. Identifiers: MedGen CN230736.
Hereditary cancer-predisposing syndrome. Also called: Hereditary Cancer Syndrome; Tumor predisposition; Neoplastic Syndromes, Hereditary; Hereditary neoplastic syndrome. Identifiers: Orphanet 140162, MedGen C0027672, MeSH D009386, MONDO:0015356.

gnomAD v4.1: 10 of 1,608,382 alleles (0.00062%); highest among the groups gnomAD compares: Admixed American, 0.0033%; no homozygotes.

Submissions (4):

GeneDx
Classification: Pathogenic. Last evaluated: 2026-09-08. Review status: criteria provided, single submitter. Criteria: GeneDx Variant Classification Process June 2021. Collection method: clinical testing. Allele origin: germline.
Comment: Reported in a patient who had at least one non-vestibular schwannoma, but detailed clinical and familial segregation information were not provided (PMID: 39209702); Reported in two unrelated patients with multiple cafe-au-lait macules, one of whom was also noted to have cognitive impairment (PMID: 39140257); Canonical splice site variant predicted to result in a null allele in a gene for which loss of function is a known mechanism of disease; Not observed at significant frequency in large population cohorts (gnomAD); This variant is associated with the following publications: (PMID: 28295212, 39209702, 39140257)

Ambry Genetics
Classification: Likely pathogenic for Cardiovascular phenotype; Hereditary cancer-predisposing syndrome. Last evaluated: 2026-04-23. Review status: criteria provided, single submitter. Criteria: Ambry Variant Classification Scheme 2023. Collection method: clinical testing. Allele origin: germline.
Comment: The c.791+1G>C intronic variant results from a G to C substitution one nucleotide after coding exon 8 of the LZTR1 gene. This nucleotide position is highly conserved in available vertebrate species. In silico splice site analysis predicts that this alteration will weaken the native splice donor site. Alterations that disrupt the canonical splice site are expected to cause aberrant splicing, resulting in an abnormal protein or a transcript that is subject to nonsense-mediated mRNA decay. Loss-of-function variants in LZTR1 are related to an increased risk for schwannomas and autosomal recessive Noonan syndrome; however, such associations with autosomal dominant Noonan syndrome have not been observed (Piotrowski A et al. Nat Genet. 2014 Feb;46:182-7; Yamamoto GL et al. J Med Genet. 2015 Jun;52:413-21; Johnston JJ et al. Genet Med. 2018 10;20:1175-1185). Based on the supporting evidence, this variant is likely pathogenic for an increased risk of LZTR1-related schwannomatosis (SWN) and would be expected to cause autosomal recessive Noonan syndrome when present along with a second pathogenic or likely pathogenic variant on the other allele; however, the association of this alteration with autosomal dominant Noonan syndrome is unlikely.

Labcorp Genetics (formerly Invitae), Labcorp
Classification: Pathogenic. Last evaluated: 2025-05-26. Review status: criteria provided, single submitter. Criteria: Invitae Variant Classification Sherloc (09022015). Collection method: clinical testing. Allele origin: germline.
Comment: This sequence change affects a donor splice site in intron 8 of the LZTR1 gene. RNA analysis indicates that disruption of this splice site induces altered splicing and may result in an absent or altered protein product. This variant is present in population databases (no rsID available, gnomAD 0.003%). Disruption of this splice site has been observed in individuals with clinical features of schwannomatosis (PMID: 25335493, 28295212; internal data). ClinVar contains an entry for this variant (Variation ID: 1484880). Studies have shown that disruption of this splice site results in inclusion of the first 93 nucleotides of intron 8, and produces a non-functional protein and/or introduces a premature termination codon (PMID: 28295212). For these reasons, this variant has been classified as Pathogenic.

Baylor Genetics
Classification: Pathogenic for LZTR1-related schwannomatosis. Last evaluated: 2023-02-27. Review status: criteria provided, single submitter. Criteria: ACMG Guidelines, 2015. Collection method: clinical testing. Allele origin: unknown.

Literature cited by the submitters: PubMed 39209702 (cited by Ambry Genetics); PubMed 25335493 (cited by Labcorp Genetics (formerly Invitae), Labcorp); PubMed 28295212 (cited by Labcorp Genetics (formerly Invitae), Labcorp).